The following is an entry in ClinVar:

NM_000264.5(PTCH1):c.3601C>T (p.Pro1201Ser)

Gene: PTCH1 (patched 1; minus strand). Cytogenetic location: 9q22.32.
Variant type: single nucleotide variant.
Coding change: c.3601C>T on transcript NM_000264.5 (MANE Select); coding-DNA position 3601, C replaced by T.
Protein change: p.Pro1201Ser; replaces proline 1201 with serine.
Molecular consequence: missense variant. On other transcripts: non-coding transcript variant (1).
Genome position (GRCh38, 1-based): chr9:95,449,272, G>A on the plus strand (C>T on the coding strand, the complement: PTCH1 is on the minus strand). VCF-style: chr9-95449272-G-A. GRCh37 (hg19) VCF-style: chr9-98211554-G-A.
Other names: c.3403C>T, p.Pro1135Ser (NM_001083602.3); c.3598C>T, p.Pro1200Ser (NM_001083603.3); c.3148C>T, p.Pro1050Ser (NM_001083604.3, NM_001083605.3, NM_001083606.3 and 1 more transcripts); c.3445C>T, p.Pro1149Ser (NM_001354918.2); short protein forms P1050S, P1135S, P1149S, P1200S, P1201S.
Identifiers: ClinVar variation 1012620 (VCV001012620.44), dbSNP rs1838233287, ClinGen allele CA374111316.

ClinVar aggregate classification (germline): Uncertain significance. Review status: criteria provided, multiple submitters, no conflicts (2 of 4 stars). 3 submissions from 3 submitters: Uncertain significance (3). Last evaluated 2022-06-13.

Conditions:
Gorlin syndrome. Also called: Nevoid Basal Cell Carcinoma Syndrome; Basal cell nevus syndrome. Identifiers: Orphanet 377, MedGen C0004779, MONDO:0007187.
Hereditary cancer-predisposing syndrome. Also called: Hereditary Cancer Syndrome; Hereditary neoplastic syndrome; Neoplastic Syndromes, Hereditary; Tumor predisposition. Identifiers: Orphanet 140162, MedGen C0027672, MeSH D009386, MONDO:0015356.

Allele frequency attached by ClinVar (database versions not stated): gnomAD exomes below 0.00001.
gnomAD v4.1: 3 of 1,562,860 alleles (0.00019%); highest among the groups gnomAD compares: Middle Eastern, 0.017%; no homozygotes.

Submissions (3):

Ambry Genetics
Classification: Uncertain significance for Hereditary cancer-predisposing syndrome. Last evaluated: 2022-06-13. Review status: criteria provided, single submitter. Criteria: Ambry Variant Classification Scheme 2023. Collection method: clinical testing. Allele origin: germline.
Comment: The p.P1201S variant (also known as c.3601C>T), located in coding exon 22 of the PTCH1 gene, results from a C to T substitution at nucleotide position 3601. The proline at codon 1201 is replaced by serine, an amino acid with similar properties. This amino acid position is conserved. In addition, the in silico prediction for this alteration is inconclusive. Since supporting evidence is limited at this time, the clinical significance of this alteration remains unclear.

Labcorp Genetics (formerly Invitae), Labcorp
Classification: Uncertain significance for Gorlin syndrome. Last evaluated: 2022-02-08. Review status: criteria provided, single submitter. Criteria: Invitae Variant Classification Sherloc (09022015). Collection method: clinical testing. Allele origin: germline.
Comment: Advanced modeling of protein sequence and biophysical properties (such as structural, functional, and spatial information, amino acid conservation, physicochemical variation, residue mobility, and thermodynamic stability) performed at Invitae indicates that this missense variant is not expected to disrupt PTCH1 protein function. ClinVar contains an entry for this variant (Variation ID: 1012620). This variant has not been reported in the literature in individuals affected with PTCH1-related conditions. This variant is not present in population databases (gnomAD no frequency). This sequence change replaces proline, which is neutral and non-polar, with serine, which is neutral and polar, at codon 1201 of the PTCH1 protein (p.Pro1201Ser). In summary, the available evidence is currently insufficient to determine the role of this variant in disease. Therefore, it has been classified as a Variant of Uncertain Significance.

CeGaT Center for Human Genetics Tuebingen
Classification: Uncertain significance. Last evaluated: 2020-10-01. Review status: criteria provided, single submitter. Criteria: CeGaT Center For Human Genetics Tuebingen Variant Classification Criteria Version 2. Collection method: clinical testing. Allele origin: germline. Affected: yes. Observed: 1 variant allele.